The following is an entry in ClinVar:

NM_003051.4(SLC16A1):c.1300G>A (p.Gly434Ser)

Gene: SLC16A1 (solute carrier family 16 member 1; minus strand). Cytogenetic location: 1p13.2.
Variant type: single nucleotide variant.
Coding change: c.1300G>A on transcript NM_003051.4 (MANE Select); coding-DNA position 1300, G replaced by A.
Protein change: p.Gly434Ser; replaces glycine 434 with serine.
Molecular consequence: missense variant.
Genome position (GRCh38, 1-based): chr1:112,914,094, C>T on the plus strand (G>A on the coding strand, the complement: SLC16A1 is on the minus strand). VCF-style: chr1-112914094-C-T. GRCh37 (hg19) VCF-style: chr1-113456716-C-T.
Other names: c.1300G>A, p.Gly434Ser (NM_001166496.2); short protein forms G434S.
Identifiers: ClinVar variation 2814125 (VCV002814125.3), dbSNP rs1280296682, ClinGen allele CA341827083.

ClinVar aggregate classification (germline): Uncertain significance (1 of 4 stars; one submission).

Allele frequency attached by ClinVar (database versions not stated): gnomAD exomes below 0.00001; TOPMed below 0.00001.
gnomAD v4.1: 5 of 1,614,188 alleles (0.00031%); highest among the groups gnomAD compares: Non-Finnish European, 0.00042%; no homozygotes.

Submission:

Labcorp Genetics (formerly Invitae), Labcorp
Classification: Uncertain significance. Last evaluated: 2022-11-14. Review status: criteria provided, single submitter. Criteria: Invitae Variant Classification Sherloc (09022015). Collection method: clinical testing. Allele origin: germline.
Comment: This sequence change replaces glycine, which is neutral and non-polar, with serine, which is neutral and polar, at codon 434 of the SLC16A1 protein (p.Gly434Ser). This variant is present in population databases (no rsID available, gnomAD 0.0009%). This variant has not been reported in the literature in individuals affected with SLC16A1-related conditions. Algorithms developed to predict the effect of missense changes on protein structure and function (SIFT, PolyPhen-2, Align-GVGD) all suggest that this variant is likely to be tolerated. Algorithms developed to predict the effect of sequence changes on RNA splicing suggest that this variant may disrupt the consensus splice site. In summary, the available evidence is currently insufficient to determine the role of this variant in disease. Therefore, it has been classified as a Variant of Uncertain Significance.